The following is an entry in ClinVar:

ClinVar aggregate classification (germline): Pathogenic (1 of 4 stars; one submission).

Submission:

Labcorp Genetics (formerly Invitae), Labcorp
Classification: Pathogenic. Last evaluated: 2023-02-02. Review status: criteria provided, single submitter. Criteria: Invitae Variant Classification Sherloc (09022015). Collection method: clinical testing. Allele origin: germline.
Comment: This sequence change creates a premature translational stop signal (p.Lys219*) in the NDUFV1 gene. It is expected to result in an absent or disrupted protein product. Loss-of-function variants in NDUFV1 are known to be pathogenic (PMID: 10080174, 11349233). This variant is not present in population databases (gnomAD no frequency). This variant has not been reported in the literature in individuals affected with NDUFV1-related conditions. For these reasons, this variant has been classified as Pathogenic.

Literature cited by the submitters: PubMed 10080174; PubMed 11349233.

NM_007103.4(NDUFV1):c.655A>T (p.Lys219Ter)

Gene: NDUFV1 (NADH:ubiquinone oxidoreductase core subunit V1; plus strand). Cytogenetic location: 11q13.2.
Variant type: single nucleotide variant.
Coding change: c.655A>T on transcript NM_007103.4 (MANE Select); coding-DNA position 655, A replaced by T.
Protein change: p.Lys219Ter; replaces lysine 219 with a stop codon.
Molecular consequence: nonsense.
Genome position (GRCh38, 1-based): chr11:67,610,525, A>T. VCF-style: chr11-67610525-A-T. GRCh37 (hg19) VCF-style: chr11-67377996-A-T.
Other names: c.628A>T, p.Lys210Ter (NM_001166102.2); short protein forms K210*, K219*.
Identifiers: ClinVar variation 2982558 (VCV002982558.3), dbSNP rs2495721189, ClinGen allele CA381537209.